The following is an entry in ClinVar:

ClinVar aggregate classification (germline): Uncertain significance (1 of 4 stars; one submission).

Conditions:
Gorlin syndrome. Also called: Nevoid Basal Cell Carcinoma Syndrome; Basal cell nevus syndrome. Identifiers: Orphanet 377, MedGen C0004779, MONDO:0007187.

Allele frequency attached by ClinVar (database versions not stated): gnomAD exomes below 0.00001.
gnomAD v4.1: 1 of 1,613,910 alleles (0.000062%); highest among the groups gnomAD compares: South Asian, 0.0011%; no homozygotes.

Submission:

Labcorp Genetics (formerly Invitae), Labcorp
Classification: Uncertain significance for Gorlin syndrome. Last evaluated: 2022-08-16. Review status: criteria provided, single submitter. Criteria: Invitae Variant Classification Sherloc (09022015). Collection method: clinical testing. Allele origin: germline.
Comment: This sequence change replaces threonine, which is neutral and polar, with alanine, which is neutral and non-polar, at codon 1064 of the PTCH1 protein (p.Thr1064Ala). This variant is not present in population databases (gnomAD no frequency). This variant has not been reported in the literature in individuals affected with PTCH1-related conditions. ClinVar contains an entry for this variant (Variation ID: 948662). Advanced modeling of protein sequence and biophysical properties (such as structural, functional, and spatial information, amino acid conservation, physicochemical variation, residue mobility, and thermodynamic stability) performed at Invitae indicates that this missense variant is not expected to disrupt PTCH1 protein function. In summary, the available evidence is currently insufficient to determine the role of this variant in disease. Therefore, it has been classified as a Variant of Uncertain Significance.

NM_000264.5(PTCH1):c.3190A>G (p.Thr1064Ala)

Gene: PTCH1 (patched 1; minus strand). Cytogenetic location: 9q22.32.
Variant type: single nucleotide variant.
Coding change: c.3190A>G on transcript NM_000264.5 (MANE Select); coding-DNA position 3190, A replaced by G.
Protein change: p.Thr1064Ala; replaces threonine 1064 with alanine.
Molecular consequence: missense variant. On other transcripts: non-coding transcript variant (1).
Genome position (GRCh38, 1-based): chr9:95,456,392, T>C on the plus strand (A>G on the coding strand, the complement: PTCH1 is on the minus strand). VCF-style: chr9-95456392-T-C. GRCh37 (hg19) VCF-style: chr9-98218674-T-C.
Other names: c.2992A>G, p.Thr998Ala (NM_001083602.3); c.3187A>G, p.Thr1063Ala (NM_001083603.3); c.2737A>G, p.Thr913Ala (NM_001083604.3, NM_001083605.3, NM_001083606.3 and 1 more transcripts); c.3034A>G, p.Thr1012Ala (NM_001354918.2); short protein forms T1063A, T1064A, T913A, T998A, T1012A.
Identifiers: ClinVar variation 948662 (VCV000948662.10), dbSNP rs1838931276, ClinGen allele CA374112189.